The following is an entry in ClinVar:

ClinVar aggregate classification (germline): Pathogenic/Likely pathogenic. Review status: criteria provided, multiple submitters, no conflicts (2 of 4 stars). 2 submissions from 2 submitters: Pathogenic (1); Likely pathogenic (1). Last evaluated 2023-07-07.

Conditions:
Cerebrooculofacioskeletal syndrome 2 (COFS2). Identifiers: MedGen C1853102, MONDO:0012553, OMIM 610756.

Submissions (2):

Labcorp Genetics (formerly Invitae), Labcorp
Classification: Pathogenic. Last evaluated: 2023-07-07. Review status: criteria provided, single submitter. Criteria: Invitae Variant Classification Sherloc (09022015). Collection method: clinical testing. Allele origin: germline.
Comment: For these reasons, this variant has been classified as Pathogenic. This sequence change creates a premature translational stop signal (p.Gly622Alafs*87) in the ERCC2 gene. It is expected to result in an absent or disrupted protein product. Loss-of-function variants in ERCC2 are known to be pathogenic (PMID: 9238033, 11335038, 19085937, 19934020). This variant has not been reported in the literature in individuals affected with ERCC2-related conditions. This variant is not present in population databases (gnomAD no frequency).

Baylor Genetics
Classification: Likely pathogenic for Cerebrooculofacioskeletal syndrome 2. Last evaluated: 2022-08-25. Review status: criteria provided, single submitter. Criteria: ACMG Guidelines, 2015. Collection method: clinical testing. Allele origin: unknown.

Literature cited by the submitters: PubMed 9238033 (cited by Labcorp Genetics (formerly Invitae), Labcorp); PubMed 11335038 (cited by Labcorp Genetics (formerly Invitae), Labcorp); PubMed 19085937 (cited by Labcorp Genetics (formerly Invitae), Labcorp); PubMed 19934020 (cited by Labcorp Genetics (formerly Invitae), Labcorp).

NM_000400.4(ERCC2):c.1865del (p.Gly622fs)

Gene: ERCC2 (ERCC excision repair 2, TFIIH core complex helicase subunit; minus strand). Cytogenetic location: 19q13.32.
Variant type: Deletion.
Coding change: c.1865del on transcript NM_000400.4 (MANE Select); coding-DNA position 1865, one base deleted (G; older notation c.1865delG).
Protein change: p.Gly622fs; shifts the reading frame from glycine 622.
Molecular consequence: frameshift variant.
Genome position (GRCh38, 1-based): chr19:45,352,783, C deleted on the plus strand (G on the coding strand, the reverse complement: ERCC2 is on the minus strand); the first of 2 consecutive C bases (chr19:45,352,783-45,352,784); deleting either gives the same sequence. VCF-style (leftmost placement, unchanged base first): chr19-45352782-GC-G. GRCh37 (hg19) VCF-style: chr19-45856040-GC-G.
Other names: short protein forms G622fs.
Identifiers: ClinVar variation 2675066 (VCV002675066.4), dbSNP rs2514000214, ClinGen allele CA2695198228.
Genomic context (GRCh38, chr19:45,352,782, plus strand): 5'-TCCCTGGGAGACAGAGCTACTCACCTTGAGAATGCGGCTCTGTGTGTAGACGTAGGGGAC[GC>G]CAAACATGATGACGGCCCGCCCGTAGTGGTGCACTGGTGGGCAGAGGAGAGGGGGCGAGG-3'